The following is an entry in ClinVar:

ClinVar aggregate classification (germline): Benign/Likely benign. Review status: criteria provided, multiple submitters, no conflicts (2 of 4 stars). 2 submissions from 2 submitters: Benign (1); Likely benign (1). Last evaluated 2024-11-27.

Submissions (2):

Blueprint Genetics
Classification: Likely benign. Last evaluated: 2024-11-27. Review status: criteria provided, single submitter. Criteria: ACMG Guidelines, 2015. Collection method: clinical testing. Allele origin: germline.

Mayo Clinic Laboratories, Mayo Clinic
Classification: Benign. Last evaluated: 2023-08-16. Review status: criteria provided, single submitter. Criteria: ACMG Guidelines, 2015. Collection method: clinical testing. Allele origin: germline. Observed: 311 variant alleles.
Comment: BA1, BP4, BP7

NM_014314.4(RIGI):c.1481-6del

Gene: RIGI (RNA sensor RIG-I; minus strand). Cytogenetic location: 9p21.1.
Variant type: Deletion.
Coding change: c.1481-6del on transcript NM_014314.4 (MANE Select); 6 bases into the intron before coding-DNA position 1481, one base deleted (T; older notation c.1481-6delT).
Molecular consequence: intron variant.
Genome position (GRCh38, 1-based): chr9:32,481,503, A deleted on the plus strand (T on the coding strand, the reverse complement: RIGI is on the minus strand); the first of 16 consecutive A bases (chr9:32,481,503-32,481,518); deleting any one gives the same sequence. VCF-style (leftmost placement, unchanged base first): chr9-32481502-TA-T. GRCh37 (hg19) VCF-style: chr9-32481500-TA-T.
Other names: p.?; c.872-6del (NM_001385912.1); c.1466-6del (NM_001385913.1); c.1475-6del (NM_001385907.1); c.1481-6del (NM_001385909.1); c.1037-6del (NM_001385914.1); c.1040-6del (NM_001385910.1).
Identifiers: ClinVar variation 4683387 (VCV004683387.2).